The following is an entry in ClinVar:

NM_000548.5(TSC2):c.4560G>A (p.Leu1520=)

Gene: TSC2 (TSC complex subunit 2; plus strand). Cytogenetic location: 16p13.3.
Variant type: single nucleotide variant.
Coding change: c.4560G>A on transcript NM_000548.5 (MANE Select); coding-DNA position 4560, G replaced by A.
Protein change: p.Leu1520=; no amino-acid change (leucine 1520 retained).
Molecular consequence: synonymous variant. On other transcripts: non-coding transcript variant (5).
Genome position (GRCh38, 1-based): chr16:2,085,017, G>A. VCF-style: chr16-2085017-G-A. GRCh37 (hg19) VCF-style: chr16-2135018-G-A.
Other names: c.4359G>A, p.Leu1453= (NM_001077183.3); c.4491G>A, p.Leu1497= (NM_001114382.3); c.4251G>A, p.Leu1417= (NM_001318827.2); c.4215G>A, p.Leu1405= (NM_001318829.2); c.3828G>A, p.Leu1276= (NM_001318831.2); c.4392G>A, p.Leu1464= (NM_001318832.2); c.4362G>A, p.Leu1454= (NM_001363528.2); c.4428G>A, p.Leu1476= (NM_001370404.1); and 26 more.
Identifiers: ClinVar variation 2750605 (VCV002750605.4), dbSNP rs1596423200, ClinGen allele CA493043458.

ClinVar aggregate classification (germline): Benign/Likely benign. Review status: criteria provided, multiple submitters, no conflicts (2 of 4 stars). 2 submissions from 2 submitters: Benign (1); Likely benign (1). Last evaluated 2025-06-04.

Conditions:
Tuberous sclerosis 2 (TSC2). Identifiers: Orphanet 805, MedGen C1860707, MONDO:0013199, OMIM 613254.

Submissions (2):

Myriad Genetics, Inc.
Classification: Benign for Tuberous sclerosis 2. Last evaluated: 2025-06-04. Review status: criteria provided, single submitter. Criteria: Myriad Autosomal Dominant, Autosomal Recessive and X-Linked Classification Criteria (2023). Collection method: clinical testing. Allele origin: unknown.
Comment: This variant is considered benign. This variant is a silent/synonymous amino acid change and it is not expected to impact splicing.

Labcorp Genetics (formerly Invitae), Labcorp
Classification: Likely benign for Tuberous sclerosis 2. Last evaluated: 2023-08-06. Review status: criteria provided, single submitter. Criteria: Invitae Variant Classification Sherloc (09022015). Collection method: clinical testing. Allele origin: germline.